The following is an entry in ClinVar:

NM_182961.4(SYNE1):c.24771C>T (p.Leu8257=)

Gene: SYNE1 (spectrin repeat containing nuclear envelope protein 1; minus strand). Cytogenetic location: 6q25.2.
Variant type: single nucleotide variant.
Coding change: c.24771C>T on transcript NM_182961.4 (MANE Select); coding-DNA position 24771, C replaced by T.
Protein change: p.Leu8257=; no amino-acid change (leucine 8257 retained).
Molecular consequence: synonymous variant.
Genome position (GRCh38, 1-based): chr6:152,148,250, G>A on the plus strand (C>T on the coding strand, the complement: SYNE1 is on the minus strand). VCF-style: chr6-152148250-G-A. GRCh37 (hg19) VCF-style: chr6-152469385-G-A.
Other names: c.24558C>T (NM_033071.3); c.1377C>T, p.Leu459= (NM_001347701.2); c.1236C>T, p.Leu412= (NM_001347702.2); c.24558C>T, p.Leu8186= (NM_033071.5).
Identifiers: ClinVar variation 1143609 (VCV001143609.7), dbSNP rs2059847697, ClinGen allele CA452970190.
Genomic context (GRCh38, chr6:152,148,250, plus strand): 5'-ACTAGCCGGGGTGTCTCGTCCTGACCGCTCGCTCCGGAGGGGCTGAGCGAGCGAGAGGGA[G>A]AGATTGGAGGAAGGCTGTGGAGAAAGCAGGCTGTCTGCAGAGCGGTCGTGCCAGTGCAGG-3'
Protein context (NP_892006.3, residues 8247-8267): SLLSPQPSSN[Leu8257=]SLSLAQPLRS

ClinVar aggregate classification (germline): Likely benign. Review status: criteria provided, single submitter (1 of 4 stars). 2 submissions from 2 submitters: Likely benign (1). 1 of the submissions does not count toward it. Last evaluated 2025-02-19.

Conditions:
Autosomal recessive ataxia, Beauce type. Also called: Spinocerebellar ataxia, autosomal recessive 8; ATAXIA, RECESSIVE, OF BEAUCE; SYNE1-Related Autosomal Recessive Cerebellar Ataxia; SYNE1 Deficiency. Identifiers: Orphanet 88644, MedGen C1853116, MONDO:0012549, OMIM 610743.
Emery-Dreifuss muscular dystrophy 4, autosomal dominant (EDMD4). Also called: EMERY-DREIFUSS MUSCULAR DYSTROPHY 4 WITH VARIABLE FEATURES. Identifiers: Orphanet 261, MedGen C2751807, MONDO:0013071, OMIM 612998.
SYNE1-related disorder. Also called: SYNE1-related disorders; SYNE1-related disease; SYNE1-related condition.

Allele frequency attached by ClinVar (database versions not stated): gnomAD exomes below 0.00001; gnomAD 0.00001; TOPMed 0.00001.
gnomAD v4.1: 2 of 1,613,672 alleles (0.00012%); highest among the groups gnomAD compares: Non-Finnish European, 0.00017%; no homozygotes.

Submissions (2):

Labcorp Genetics (formerly Invitae), Labcorp
Classification: Likely benign for Emery-Dreifuss muscular dystrophy 4, autosomal dominant; Autosomal recessive ataxia, Beauce type. Last evaluated: 2025-02-19. Review status: criteria provided, single submitter. Criteria: Invitae Variant Classification Sherloc (09022015). Collection method: clinical testing. Allele origin: germline.

PreventionGenetics, part of Exact Sciences
Classification: Likely benign for SYNE1-related condition. Last evaluated: 2019-08-09. Review status: no assertion criteria provided. Collection method: clinical testing. Allele origin: germline. Not counted in ClinVar's aggregate classification.
Comment: This variant is classified as likely benign based on ACMG/AMP sequence variant interpretation guidelines (Richards et al. 2015 PMID: 25741868, with internal and published modifications).